The following is an entry in ClinVar:

ClinVar aggregate classification (germline): Likely benign. Review status: criteria provided, multiple submitters, no conflicts (2 of 4 stars). 4 submissions from 4 submitters: Likely benign (3). 1 of the submissions does not count toward it. Last evaluated 2026-01-05.

Conditions:
INF2-related disorder. Also called: INF2-related condition.
Focal segmental glomerulosclerosis 5 (FSGS5). Identifiers: Orphanet 656, MedGen C2750475, MONDO:0013191, OMIM 613237.
Charcot-Marie-Tooth disease dominant intermediate E. Also called: CHARCOT-MARIE-TOOTH NEUROPATHY WITH FOCAL SEGMENTAL GLOMERULONEPHRITIS. Identifiers: Orphanet 93114, MedGen C4302667, MONDO:0013758, OMIM 614455.

Allele frequency attached by ClinVar (database versions not stated): ExAC 0.00002; gnomAD exomes 0.00002 and 0.00003; ESP Exome Variant Server 0.00008; gnomAD 0.00030 and 0.00031; 1000 Genomes Project 30x 0.00031; TOPMed 0.00064.
gnomAD v4.1: 80 of 1,603,650 alleles (0.005%); highest among the groups gnomAD compares: Admixed American, 0.11%; 3 homozygotes.

Submissions (4):

Labcorp Genetics (formerly Invitae), Labcorp
Classification: Likely benign for Charcot-Marie-Tooth disease dominant intermediate E; Focal segmental glomerulosclerosis 5. Last evaluated: 2026-01-05. Review status: criteria provided, single submitter. Criteria: Invitae Variant Classification Sherloc (09022015). Collection method: clinical testing. Allele origin: germline.

Mayo Clinic Laboratories, Mayo Clinic
Classification: Likely benign. Last evaluated: 2024-10-14. Review status: criteria provided, single submitter. Criteria: ACMG Guidelines, 2015. Collection method: clinical testing. Allele origin: germline. Observed: 2 variant alleles.
Comment: BP4, BP7

Fulgent Genetics
Classification: Likely benign for Focal segmental glomerulosclerosis 5; Charcot-Marie-Tooth disease dominant intermediate E. Last evaluated: 2021-07-26. Review status: criteria provided, single submitter. Criteria: ACMG Guidelines, 2015. Collection method: clinical testing. Allele origin: unknown.

PreventionGenetics, part of Exact Sciences
Classification: Likely benign for INF2-related condition. Last evaluated: 2019-06-21. Review status: no assertion criteria provided. Collection method: clinical testing. Allele origin: germline. Not counted in ClinVar's aggregate classification.
Comment: This variant is classified as likely benign based on ACMG/AMP sequence variant interpretation guidelines (Richards et al. 2015 PMID: 25741868, with internal and published modifications).

NM_022489.4(INF2):c.1632T>C (p.His544=)

Gene: INF2 (inverted formin 2; plus strand). Cytogenetic location: 14q32.33.
Variant type: single nucleotide variant.
Coding change: c.1632T>C on transcript NM_022489.4 (MANE Select); coding-DNA position 1632, T replaced by C.
Protein change: p.His544=; no amino-acid change (histidine 544 retained).
Molecular consequence: synonymous variant.
Genome position (GRCh38, 1-based): chr14:104,707,899, T>C. VCF-style: chr14-104707899-T-C. GRCh37 (hg19) VCF-style: chr14-105174236-T-C.
Other names: p.His544=; c.1632T>C, p.His544= (NM_001031714.4); c.1632T>C (NM_022489.3).
Identifiers: ClinVar variation 1161336 (VCV001161336.13), dbSNP rs374940901, ClinGen allele CA7372611.